The following is an entry in ClinVar:

NM_001374828.1(ARID1B):c.3678C>G (p.Leu1226=)

Gene: ARID1B (AT-rich interaction domain 1B; plus strand). Cytogenetic location: 6q25.3.
Variant type: single nucleotide variant.
Coding change: c.3678C>G on transcript NM_001374828.1 (MANE Select); coding-DNA position 3678, C replaced by G.
Protein change: p.Leu1226=; no amino-acid change (leucine 1226 retained).
Molecular consequence: synonymous variant.
Genome position (GRCh38, 1-based): chr6:157,181,142, C>G. VCF-style: chr6-157181142-C-G. GRCh37 (hg19) VCF-style: chr6-157502276-C-G.
Other names: c.3309C>G (NM_020732.3); c.1179C>G, p.Leu393= (NM_001363725.2); c.3558C>G, p.Leu1186= (NM_001371656.1, NM_001374820.1); c.3519C>G, p.Leu1173= (NM_017519.3).
Identifiers: ClinVar variation 1496373 (VCV001496373.39), dbSNP rs111368751, ClinGen allele CA4067371.

ClinVar aggregate classification (germline): Likely benign. Review status: criteria provided, multiple submitters, no conflicts (2 of 4 stars). 4 submissions from 4 submitters: Likely benign (4). Last evaluated 2026-05-01.

Conditions:
Inborn genetic diseases. Identifiers: MedGen C0950123, MeSH D030342.

Allele frequency attached by ClinVar (database versions not stated): ESP Exome Variant Server 0.00008.
gnomAD v4.1: 95 of 1,614,068 alleles (0.0059%); highest among the groups gnomAD compares: Non-Finnish European, 0.0077%; no homozygotes.

Submissions (4):

CeGaT Center for Human Genetics Tuebingen
Classification: Likely benign. Last evaluated: 2026-05-01. Review status: criteria provided, single submitter. Criteria: CeGaT Center For Human Genetics Tuebingen Variant Classification Criteria Version 2. Collection method: clinical testing. Allele origin: germline. Affected: yes. Observed: 2 variant alleles.
Comment: ARID1B: BP4

Labcorp Genetics (formerly Invitae), Labcorp
Classification: Likely benign. Last evaluated: 2025-11-04. Review status: criteria provided, single submitter. Criteria: Invitae Variant Classification Sherloc (09022015). Collection method: clinical testing. Allele origin: germline.

Blueprint Genetics
Classification: Likely benign. Last evaluated: 2024-10-16. Review status: criteria provided, single submitter. Criteria: ACMG Guidelines, 2015. Collection method: clinical testing. Allele origin: germline.

Ambry Genetics
Classification: Likely benign for Inborn genetic diseases. Last evaluated: 2019-05-12. Review status: criteria provided, single submitter. Criteria: Ambry Variant Classification Scheme 2023. Collection method: clinical testing. Allele origin: germline.